The following is an entry in ClinVar:

NM_020975.6(RET):c.2788A>G (p.Thr930Ala)

Gene: RET (ret proto-oncogene; plus strand). Cytogenetic location: 10q11.21.
Variant type: single nucleotide variant.
Coding change: c.2788A>G on transcript NM_020975.6 (MANE Select); coding-DNA position 2788, A replaced by G.
Protein change: p.Thr930Ala; replaces threonine 930 with alanine.
Molecular consequence: missense variant.
Genome position (GRCh38, 1-based): chr10:43,122,003, A>G. VCF-style: chr10-43122003-A-G. GRCh37 (hg19) VCF-style: chr10-43617451-A-G.
Other names: c.2788A>G, p.Thr930Ala (NM_000323.2, NM_001406743.1, NM_001406744.1 and 4 more transcripts); c.2026A>G, p.Thr676Ala (NM_001355216.2); c.2659A>G, p.Thr887Ala (NM_001406761.1, NM_001406762.1, NM_001406764.1); c.2653A>G, p.Thr885Ala (NM_001406763.1, NM_001406765.1); c.2500A>G, p.Thr834Ala (NM_001406766.1, NM_001406767.1, NM_001406770.1); c.2524A>G, p.Thr842Ala (NM_001406768.1); c.2392A>G, p.Thr798Ala (NM_001406769.1, NM_001406772.1); c.2350A>G, p.Thr784Ala (NM_001406771.1, NM_001406773.1); and 10 more; short protein forms T495A, T586A, T798A, T842A, T535A, T631A, T676A, T885A.
Identifiers: ClinVar variation 2812458 (VCV002812458.4), dbSNP rs2132986560, ClinGen allele CA376557642.

ClinVar aggregate classification (germline): Uncertain significance. Review status: criteria provided, multiple submitters, no conflicts (2 of 4 stars). 2 submissions from 2 submitters: Uncertain significance (2). Last evaluated 2025-12-13.

Conditions:
Multiple endocrine neoplasia, type 2 (MEN2). Identifiers: Orphanet 653, MedGen C4048306, MONDO:0019003. Disease mechanism: gain of function.
Hereditary cancer-predisposing syndrome. Also called: Tumor predisposition; Hereditary Cancer Syndrome; Hereditary neoplastic syndrome; Neoplastic Syndromes, Hereditary. Identifiers: Orphanet 140162, MedGen C0027672, MeSH D009386, MONDO:0015356.

Allele frequency attached by ClinVar (database versions not stated): gnomAD exomes below 0.00001.
gnomAD v4.1: 1 of 1,613,514 alleles (0.000062%); highest among the groups gnomAD compares: Admixed American, 0.0017%; no homozygotes.

Submissions (2):

Labcorp Genetics (formerly Invitae), Labcorp
Classification: Uncertain significance for Multiple endocrine neoplasia, type 2. Last evaluated: 2025-12-13. Review status: criteria provided, single submitter. Criteria: Invitae Variant Classification Sherloc (09022015). Collection method: clinical testing. Allele origin: germline.
Comment: This sequence change replaces threonine, which is neutral and polar, with alanine, which is neutral and non-polar, at codon 930 of the RET protein (p.Thr930Ala). This variant is not present in population databases (gnomAD no frequency). This variant has not been reported in the literature in individuals affected with RET-related conditions. ClinVar contains an entry for this variant (Variation ID: 2812458). An algorithm developed to predict the effect of missense changes on protein structure and function (PolyPhen-2) suggests that this variant is likely to be tolerated. In summary, the available evidence is currently insufficient to determine the role of this variant in disease. Therefore, it has been classified as a Variant of Uncertain Significance.

Ambry Genetics
Classification: Uncertain significance for Hereditary cancer-predisposing syndrome. Last evaluated: 2024-06-09. Review status: criteria provided, single submitter. Criteria: Ambry Variant Classification Scheme 2023. Collection method: clinical testing. Allele origin: germline.
Comment: The p.T930A variant (also known as c.2788A>G), located in coding exon 16 of the RET gene, results from an A to G substitution at nucleotide position 2788. The threonine at codon 930 is replaced by alanine, an amino acid with similar properties. This amino acid position is conserved. In addition, the in silico prediction for this alteration is inconclusive. Based on the available evidence, the clinical significance of this variant remains unclear.